The following is an entry in ClinVar:

NM_001378969.1(KCND3):c.1544T>C (p.Met515Thr)

Gene: KCND3 (potassium voltage-gated channel subfamily D member 3; minus strand). Cytogenetic location: 1p13.2.
Variant type: single nucleotide variant.
Coding change: c.1544T>C on transcript NM_001378969.1 (MANE Select); coding-DNA position 1544, T replaced by C.
Protein change: p.Met515Thr; replaces methionine 515 with threonine.
Molecular consequence: missense variant.
Genome position (GRCh38, 1-based): chr1:111,777,248, A>G on the plus strand (T>C on the coding strand, the complement: KCND3 is on the minus strand). VCF-style: chr1-111777248-A-G. GRCh37 (hg19) VCF-style: chr1-112319870-A-G.
Other names: c.1487T>C, p.Met496Thr (NM_001378970.1, NM_172198.3); c.1544T>C, p.Met515Thr (NM_004980.5); short protein forms M515T, M496T.
Identifiers: ClinVar variation 2702794 (VCV002702794.3), dbSNP rs2524995673, ClinGen allele CA341657366.

ClinVar aggregate classification (germline): Uncertain significance (1 of 4 stars; one submission).

Conditions:
Spinocerebellar ataxia type 19/22 (SCA19). Also called: SPINOCEREBELLAR ATAXIA 22; SPINOCEREBELLAR ATAXIA 19. Identifiers: Orphanet 98772, MedGen C1846367, MONDO:0011819, OMIM 607346.

Allele frequency attached by ClinVar (database versions not stated): gnomAD exomes below 0.00001.
gnomAD v4.1: 2 of 1,614,212 alleles (0.00012%); highest among the groups gnomAD compares: Non-Finnish European, 0.00017%; no homozygotes.

Submission:

Labcorp Genetics (formerly Invitae), Labcorp
Classification: Uncertain significance for Spinocerebellar ataxia type 19/22. Last evaluated: 2025-06-03. Review status: criteria provided, single submitter. Criteria: Invitae Variant Classification Sherloc (09022015). Collection method: clinical testing. Allele origin: germline.
Comment: This sequence change replaces methionine, which is neutral and non-polar, with threonine, which is neutral and polar, at codon 515 of the KCND3 protein (p.Met515Thr). This variant is not present in population databases (gnomAD no frequency). This variant has not been reported in the literature in individuals affected with KCND3-related conditions. ClinVar contains an entry for this variant (Variation ID: 2702794). Invitae Evidence Modeling of protein sequence and biophysical properties (such as structural, functional, and spatial information, amino acid conservation, physicochemical variation, residue mobility, and thermodynamic stability) indicates that this missense variant is not expected to disrupt KCND3 protein function with a negative predictive value of 95%. In summary, the available evidence is currently insufficient to determine the role of this variant in disease. Therefore, it has been classified as a Variant of Uncertain Significance.